The following is an entry in ClinVar:

NM_021098.3(CACNA1H):c.5920G>A (p.Glu1974Lys)

Gene: CACNA1H (calcium voltage-gated channel subunit alpha1 H; plus strand). Cytogenetic location: 16p13.3.
Variant type: single nucleotide variant.
Coding change: c.5920G>A on transcript NM_021098.3 (MANE Select); coding-DNA position 5920, G replaced by A.
Protein change: p.Glu1974Lys; replaces glutamic acid 1974 with lysine.
Molecular consequence: missense variant.
Genome position (GRCh38, 1-based): chr16:1,219,002, G>A. VCF-style: chr16-1219002-G-A. GRCh37 (hg19) VCF-style: chr16-1269002-G-A.
Other names: c.5902G>A, p.Glu1968Lys (NM_001005407.2); short protein forms E1974K, E1968K.
Identifiers: ClinVar variation 1410570 (VCV001410570.9), dbSNP rs2141398956, ClinGen allele CA394148160.

ClinVar aggregate classification (germline): Uncertain significance. Review status: criteria provided, multiple submitters, no conflicts (2 of 4 stars). 2 submissions from 2 submitters: Uncertain significance (2). Last evaluated 2026-06-25.

Conditions:
Idiopathic generalized epilepsy. Also called: Generalised epilepsy; EIG. Identifiers: MedGen C0270850, MONDO:0005579, OMIM 600669.
Hyperaldosteronism, familial, type IV (HALD4). Also called: FH IV; ALDOSTERONISM, PRIMARY, AND HYPERTENSION. Identifiers: Orphanet 642671, MedGen C4310756, MONDO:0014875, OMIM 617027.

Allele frequency attached by ClinVar (database versions not stated): gnomAD exomes 0.00001.
gnomAD v4.1: 12 of 1,550,302 alleles (0.00077%); highest among the groups gnomAD compares: South Asian, 0.0012%; no homozygotes.

Submissions (2):

Women's Health and Genetics/Laboratory Corporation of America, LabCorp
Classification: Uncertain significance. Last evaluated: 2026-06-25. Review status: criteria provided, single submitter. Criteria: LabCorp Variant Classification Summary - May 2015. Collection method: clinical testing. Allele origin: germline.
Comment: Variant summary: CACNA1H c.5920G>A (p.Glu1974Lys) results in a conservative amino acid change in the encoded protein sequence. Algorithms developed to predict the effect of missense changes on protein structure and function are either unavailable or do not agree on the potential impact of this missense change. The variant was absent in 154678 control chromosomes. The available data on variant occurrences in the general population are insufficient to allow any conclusion about variant significance. To our knowledge, no occurrence of c.5920G>A in individuals affected with CACNA1H-related conditions and no experimental evidence demonstrating its impact on protein function have been reported. ClinVar contains an entry for this variant (Variation ID: 1410570). Based on the evidence outlined above, the variant was classified as uncertain significance.

Labcorp Genetics (formerly Invitae), Labcorp
Classification: Uncertain significance for Idiopathic generalized epilepsy; Hyperaldosteronism, familial, type IV. Last evaluated: 2020-11-06. Review status: criteria provided, single submitter. Criteria: Invitae Variant Classification Sherloc (09022015). Collection method: clinical testing. Allele origin: germline.
Comment: In summary, the available evidence is currently insufficient to determine the role of this variant in disease. Therefore, it has been classified as a Variant of Uncertain Significance. This sequence change replaces glutamic acid with lysine at codon 1974 of the CACNA1H protein (p.Glu1974Lys). The glutamic acid residue is moderately conserved and there is a small physicochemical difference between glutamic acid and lysine. This variant is not present in population databases (ExAC no frequency). This variant has not been reported in the literature in individuals with CACNA1H-related conditions. Advanced modeling of protein sequence and biophysical properties (such as structural, functional, and spatial information, amino acid conservation, physicochemical variation, residue mobility, and thermodynamic stability) performed at Invitae indicates that this missense variant is not expected to disrupt CACNA1H protein function.